The following is an entry in ClinVar:

NM_007272.3(CTRC):c.370C>G (p.Leu124Val)

Gene: CTRC (chymotrypsin C; plus strand). Cytogenetic location: 1p36.21.
Variant type: single nucleotide variant.
Coding change: c.370C>G on transcript NM_007272.3 (MANE Select); coding-DNA position 370, C replaced by G.
Protein change: p.Leu124Val; replaces leucine 124 with valine.
Molecular consequence: missense variant.
Genome position (GRCh38, 1-based): chr1:15,443,432, C>G. VCF-style: chr1-15443432-C-G. GRCh37 (hg19) VCF-style: chr1-15769927-C-G.
Other names: short protein forms L124V.
Identifiers: ClinVar variation 3270191 (VCV003270191.1).

ClinVar aggregate classification (germline): Uncertain significance (1 of 4 stars; one submission).

Conditions:
Hereditary pancreatitis (PCTT). Also called: Hereditary chronic pancreatitis; PRSS1-Related Hereditary Pancreatitis. Identifiers: Orphanet 676, MedGen C0238339, MONDO:0008185, OMIM 167800.

Submission:

Ambry Genetics
Classification: Uncertain significance for Hereditary pancreatitis. Last evaluated: 2024-05-05. Review status: criteria provided, single submitter. Criteria: Ambry Variant Classification Scheme 2023. Collection method: clinical testing. Allele origin: germline.
Comment: The p.L124V variant (also known as c.370C>G), located in coding exon 5 of the CTRC gene, results from a C to G substitution at nucleotide position 370. The leucine at codon 124 is replaced by valine, an amino acid with highly similar properties. This amino acid position is conserved. In addition, the in silico prediction for this alteration is inconclusive. Based on the available evidence, the clinical significance of this variant remains unclear.